The following is an entry in ClinVar:

NM_001042492.3(NF1):c.3107A>C (p.Lys1036Thr)

Gene: NF1 (neurofibromin 1; plus strand). Cytogenetic location: 17q11.2.
Variant type: single nucleotide variant.
Coding change: c.3107A>C on transcript NM_001042492.3 (MANE Select); coding-DNA position 3107, A replaced by C.
Protein change: p.Lys1036Thr; replaces lysine 1036 with threonine.
Molecular consequence: missense variant.
Genome position (GRCh38, 1-based): chr17:31,230,376, A>C. VCF-style: chr17-31230376-A-C. GRCh37 (hg19) VCF-style: chr17-29557394-A-C.
Other names: c.3107A>C, p.Lys1036Thr (NM_000267.4); short protein forms K1036T.
Identifiers: ClinVar variation 527508 (VCV000527508.5), dbSNP rs1555614540, ClinGen allele CA398987703.

ClinVar aggregate classification (germline): Uncertain significance (1 of 4 stars; one submission).

Conditions:
Neurofibromatosis, type 1 (NF1). Also called: VON RECKLINGHAUSEN DISEASE; NEUROFIBROMATOSIS, TYPE I, SOMATIC; Peripheral type neurofibromatosis; Neurofibromatosis, type I. Identifiers: Orphanet 636, MedGen C0027831, MONDO:0018975, OMIM 162200. Disease mechanism: loss of function.

Submission:

Labcorp Genetics (formerly Invitae), Labcorp
Classification: Uncertain significance for Neurofibromatosis, type 1. Last evaluated: 2022-03-23. Review status: criteria provided, single submitter. Criteria: Invitae Variant Classification Sherloc (09022015). Collection method: clinical testing. Allele origin: germline.
Comment: In summary, the available evidence is currently insufficient to determine the role of this variant in disease. Therefore, it has been classified as a Variant of Uncertain Significance. Advanced modeling of protein sequence and biophysical properties (such as structural, functional, and spatial information, amino acid conservation, physicochemical variation, residue mobility, and thermodynamic stability) performed at Invitae indicates that this missense variant is expected to disrupt NF1 protein function. ClinVar contains an entry for this variant (Variation ID: 527508). This variant has not been reported in the literature in individuals affected with NF1-related conditions. This variant is not present in population databases (gnomAD no frequency). This sequence change replaces lysine, which is basic and polar, with threonine, which is neutral and polar, at codon 1036 of the NF1 protein (p.Lys1036Thr).